The following is an entry in ClinVar:

NM_001371928.1(AHDC1):c.1459C>T (p.Arg487Trp)

Gene: AHDC1 (AT-hook DNA binding motif containing 1; minus strand). Cytogenetic location: 1p36.11.
Variant type: single nucleotide variant.
Coding change: c.1459C>T on transcript NM_001371928.1 (MANE Select); coding-DNA position 1459, C replaced by T.
Protein change: p.Arg487Trp; replaces arginine 487 with tryptophan.
Molecular consequence: missense variant.
Genome position (GRCh38, 1-based): chr1:27,550,657, G>A on the plus strand (C>T on the coding strand, the complement: AHDC1 is on the minus strand). VCF-style: chr1-27550657-G-A. GRCh37 (hg19) VCF-style: chr1-27877168-G-A.
Other names: c.1459C>T, p.Arg487Trp (NM_001029882.3); short protein forms R487W.
Identifiers: ClinVar variation 381724 (VCV000381724.3), dbSNP rs367582615, ClinGen allele CA715938.

ClinVar aggregate classification (germline): Uncertain significance (1 of 4 stars; one submission).

gnomAD v4.1: 1 of 1,613,332 alleles (0.000062%); no homozygotes.

Submission:

GeneDx
Classification: Uncertain significance. Last evaluated: 2019-08-14. Review status: criteria provided, single submitter. Criteria: GeneDx Variant Classification Process June 2021. Collection method: clinical testing. Allele origin: germline. Affected: yes.
Comment: In silico analysis, which includes protein predictors and evolutionary conservation, supports a deleterious effect; This variant is associated with the following publications: (PMID: 25420024)